The following is an entry in ClinVar:

ClinVar aggregate classification (germline): Likely benign (1 of 4 stars; one submission).

Submission:

CeGaT Center for Human Genetics Tuebingen
Classification: Likely benign. Last evaluated: 2024-12-01. Review status: criteria provided, single submitter. Criteria: CeGaT Center For Human Genetics Tuebingen Variant Classification Criteria Version 2. Collection method: clinical testing. Allele origin: germline. Affected: yes. Observed: 1 variant allele.
Comment: FOXD4L3: BP4, BP7

NM_199135.4(FOXD4L3):c.645G>A (p.Leu215=)

Gene: FOXD4L3 (forkhead box D4 like 3; plus strand). Cytogenetic location: 9q21.11.
Variant type: single nucleotide variant.
Coding change: c.645G>A on transcript NM_199135.4 (MANE Select); coding-DNA position 645, G replaced by A.
Protein change: p.Leu215=; no amino-acid change (leucine 215 retained).
Molecular consequence: synonymous variant.
Genome position (GRCh38, 1-based): chr9:68,303,596, G>A. VCF-style: chr9-68303596-G-A. GRCh37 (hg19) VCF-style: chr9-70918512-G-A.
Identifiers: ClinVar variation 3770874 (VCV003770874.13).
Genomic context (GRCh38, chr9:68,303,596, plus strand): 5'-CAGCTTTCTCCGGCGTAGGAAGCGTTTCAAGCGCCACCAACTGACCCCGGGAGCCCACCT[G>A]CCCCACCCCTTCCCTCTACCTGCTGCACACGCCGCCCTGCACAACCCCCGCCCAGGCCCT-3'
Protein context (NP_954586.4, residues 205-225): KRHQLTPGAH[Leu215=]PHPFPLPAAH